The following is an entry in ClinVar:

ClinVar aggregate classification (germline): Benign (1 of 4 stars; one submission).

Allele frequency attached by ClinVar (database versions not stated): 1000 Genomes Project 30x 0.60931; TOPMed 0.61826; 1000 Genomes Project 0.62220; gnomAD 0.64576.
gnomAD v4.1: 905,654 of 1,198,708 alleles (76%); highest among the groups gnomAD compares: East Asian, 80%; 351,666 homozygotes.

Submission:

Unidad de Genómica Garrahan, Hospital de Pediatría Garrahan
Classification: Benign. Last evaluated: 2024-01-24. Review status: criteria provided, single submitter. Criteria: ACMG Guidelines, 2015. Collection method: clinical testing. Allele origin: germline. Affected: no. Observed: 89 variant alleles.
Comment: This variant is classified as Benign based on local population frequency. This variant was detected in 94% of patients studied by a panel of primary immunodeficiencies. Number of patients: 89. Only high quality variants are reported.

NM_153460.4(IL17RC):c.1339-86G>A

Gene: IL17RC (interleukin 17 receptor C; plus strand). Cytogenetic location: 3p25.3.
Variant type: single nucleotide variant.
Coding change: c.1339-86G>A on transcript NM_153460.4 (MANE Select); 86 bases into the intron before coding-DNA position 1339, G replaced by A.
Molecular consequence: intron variant.
Genome position (GRCh38, 1-based): chr3:9,930,809, G>A. VCF-style: chr3-9930809-G-A. GRCh37 (hg19) VCF-style: chr3-9972493-G-A.
Other names: c.1552-86G>A (NM_153461.4); c.1339-86G>A (NM_001203263.2); c.1288-86G>A (NM_001203264.2); c.1300-86G>A (NM_001367278.1); c.1294-86G>A (NM_032732.6, NM_001367280.1); c.1243-86G>A (NM_001203265.2, NM_001410711.1); c.1219-86G>A (NM_001367279.1).
Identifiers: ClinVar variation 2687937 (VCV002687937.2), dbSNP rs279545, ClinGen allele CA11350319.